The following is an entry in ClinVar:

NM_012479.4(YWHAG):c.645C>T (p.Ser215=)

Gene: YWHAG (tyrosine 3-monooxygenase/tryptophan 5-monooxygenase activation protein gamma; minus strand). Cytogenetic location: 7q11.23.
Variant type: single nucleotide variant.
Coding change: c.645C>T on transcript NM_012479.4 (MANE Select); coding-DNA position 645, C replaced by T.
Protein change: p.Ser215=; no amino-acid change (serine 215 retained).
Molecular consequence: synonymous variant.
Genome position (GRCh38, 1-based): chr7:76,329,676, G>A on the plus strand (C>T on the coding strand, the complement: YWHAG is on the minus strand). VCF-style: chr7-76329676-G-A. GRCh37 (hg19) VCF-style: chr7-75958993-G-A.
Identifiers: ClinVar variation 1537867 (VCV001537867.31), dbSNP rs377449770, ClinGen allele CA4306495.
Genomic context (GRCh38, chr7:76,329,676, plus strand): 5'-GCTCGTCCAGAGCGTGAGGTTGTCGCGGAGGAGCTGCATGATGAGCGTGGAGTCCTTGTA[G>A]GAGTCCTCGTTGAGGGTGTCAAGCTCGGCGATGGCGTCGTCGAACGCGGTCTTGGCCAAG-3'
Protein context (NP_036611.2, residues 205-225): IAELDTLNED[Ser215=]YKDSTLIMQL

ClinVar aggregate classification (germline): Benign/Likely benign. Review status: criteria provided, multiple submitters, no conflicts (2 of 4 stars). 2 submissions from 2 submitters: Benign (1); Likely benign (1). Last evaluated 2025-12-01.

Allele frequency attached by ClinVar (database versions not stated): TOPMed 0.00001; ESP Exome Variant Server 0.00008; gnomAD 0.00019 and 0.00001; gnomAD exomes 0.00035 and 0.00078; ExAC 0.00080; 1000 Genomes Project 30x 0.00219; 1000 Genomes Project 0.00220.
gnomAD v4.1: 545 of 1,614,262 alleles (0.034%); highest among the groups gnomAD compares: South Asian, 0.57%; 8 homozygotes.

Submissions (2):

Labcorp Genetics (formerly Invitae), Labcorp
Classification: Benign. Last evaluated: 2025-12-01. Review status: criteria provided, single submitter. Criteria: Invitae Variant Classification Sherloc (09022015). Collection method: clinical testing. Allele origin: germline.

CeGaT Center for Human Genetics Tuebingen
Classification: Likely benign. Last evaluated: 2022-05-01. Review status: criteria provided, single submitter. Criteria: CeGaT Center For Human Genetics Tuebingen Variant Classification Criteria Version 2. Collection method: clinical testing. Allele origin: germline. Affected: yes. Observed: 1 variant allele.
Comment: YWHAG: BP4, BP7